The following is an entry in ClinVar:

ClinVar aggregate classification (germline): Pathogenic. Review status: criteria provided, multiple submitters, no conflicts (2 of 4 stars). 5 submissions from 5 submitters: Pathogenic (5). Last evaluated 2025-01-03.

Conditions:
Autosomal recessive congenital ichthyosis 4B (ARCI4B). Also called: Ichthyosis, congenital, autosomal recessive 4B (harlequin); HARLEQUIN ICHTHYOSIS; ICHTHYOSIS CONGENITA, HARLEQUIN FETUS TYPE; Harlequin Fetus. Identifiers: Orphanet 457, MedGen C0598226, MONDO:0009443, OMIM 242500.
Autosomal recessive congenital ichthyosis 4A (LI2). Also called: ICHTHYOSIS CONGENITA IIB. Identifiers: Orphanet 313, MedGen C1832550, MONDO:0011026, OMIM 601277.
Lamellar ichthyosis. Identifiers: Orphanet 313, MedGen C5848247, MONDO:0017778.

Allele frequency attached by ClinVar (database versions not stated): gnomAD exomes 0.00001; gnomAD 0.00004; TOPMed 0.00006.
gnomAD v4.1: 20 of 1,611,970 alleles (0.0012%); highest among the groups gnomAD compares: African/African-American, 0.0067%; no homozygotes.

Submissions (5):

Department of Genetics, Rouen University Hospital, Normandy Center for Genomic and Personalized Medicine
Classification: Pathogenic for Autosomal recessive congenital ichthyosis 4B. Last evaluated: 2025-01-03. Review status: criteria provided, single submitter. Criteria: ACMG Guidelines, 2015. Collection method: clinical testing. Allele origin: paternal. Affected: yes.

Women's Health and Genetics/Laboratory Corporation of America, LabCorp
Classification: Pathogenic for Lamellar ichthyosis. Last evaluated: 2024-10-08. Review status: criteria provided, single submitter. Criteria: LabCorp Variant Classification Summary - May 2015. Collection method: clinical testing. Allele origin: germline.
Comment: Variant summary: ABCA12 c.1300C>T (p.Arg434X) results in a premature termination codon, predicted to cause a truncation of the encoded protein or absence of the protein due to nonsense mediated decay, which are commonly known mechanisms for disease. The variant allele was found at a frequency of 1.2e-05 in 248740 control chromosomes. c.1300C>T has been reported in the literature in a homozygous individual affected with Ichthyosis (Akiyama_2005). These data indicate that the variant may be associated with disease. To our knowledge, no experimental evidence demonstrating an impact on protein function has been reported. The following publication have been ascertained in the context of this evaluation (PMID: 16007253). ClinVar contains an entry for this variant (Variation ID: 265000). Based on the evidence outlined above, the variant was classified as pathogenic.

Labcorp Genetics (formerly Invitae), Labcorp
Classification: Pathogenic. Last evaluated: 2023-12-25. Review status: criteria provided, single submitter. Criteria: Invitae Variant Classification Sherloc (09022015). Collection method: clinical testing. Allele origin: germline.
Comment: This sequence change creates a premature translational stop signal (p.Arg434*) in the ABCA12 gene. It is expected to result in an absent or disrupted protein product. Loss-of-function variants in ABCA12 are known to be pathogenic (PMID: 20672373). This variant is present in population databases (rs757520757, gnomAD 0.006%). This premature translational stop signal has been observed in individual(s) with harlequin icthyosis (PMID: 16007253). ClinVar contains an entry for this variant (Variation ID: 265000). Algorithms developed to predict the effect of sequence changes on RNA splicing suggest that this variant may disrupt the consensus splice site. For these reasons, this variant has been classified as Pathogenic.

GeneDx
Classification: Pathogenic. Last evaluated: 2021-11-19. Review status: criteria provided, single submitter. Criteria: GeneDx Variant Classification Process June 2021. Collection method: clinical testing. Allele origin: germline. Affected: yes.
Comment: Nonsense variant predicted to result in protein truncation or nonsense mediated decay in a gene for which loss-of-function is a known mechanism of disease; Not observed at a significant frequency in large population cohorts (Lek et al., 2016); This variant is associated with the following publications: (PMID: 22992804, 16007253, 23457818, 30916489, 33569485)

Juno Genomics, Hangzhou Juno Genomics, Inc
Classification: Pathogenic for Autosomal recessive congenital ichthyosis 4A; Autosomal recessive congenital ichthyosis 4B. Review status: criteria provided, single submitter. Criteria: ACMG Guidelines, 2015. Collection method: clinical testing. Allele origin: germline. Affected: yes.
Comment: Absent from controls (or at extremely low frequency if recessive) in Genome Aggregation Database, Exome Sequencing Project, 1000 Genomes Project, or Exome Aggregation Consortium.;Null variant in a gene where loss of function (LOF) is a known mechanism of disease.;For recessive disorders, detected in trans with a pathogenic variant.

Literature cited by the submitters: PubMed 16007253 (cited by Women's Health and Genetics/Laboratory Corporation of America, LabCorp and Labcorp Genetics (formerly Invitae), Labcorp); PubMed 20672373 (cited by Labcorp Genetics (formerly Invitae), Labcorp).

NM_173076.3(ABCA12):c.1300C>T (p.Arg434Ter)

Gene: ABCA12 (ATP binding cassette subfamily A member 12; minus strand). Cytogenetic location: 2q35.
Variant type: single nucleotide variant.
Coding change: c.1300C>T on transcript NM_173076.3 (MANE Select); coding-DNA position 1300, C replaced by T.
Protein change: p.Arg434Ter; replaces arginine 434 with a stop codon.
Molecular consequence: nonsense. On other transcripts: non-coding transcript variant (1).
Genome position (GRCh38, 1-based): chr2:215,019,784, G>A on the plus strand (C>T on the coding strand, the complement: ABCA12 is on the minus strand). VCF-style: chr2-215019784-G-A. GRCh37 (hg19) VCF-style: chr2-215884508-G-A.
Other names: c.346C>T, p.Arg116Ter (NM_015657.4); short protein forms R434*, R116*.
Identifiers: ClinVar variation 265000 (VCV000265000.12), dbSNP rs757520757, ClinGen allele CA10588335.
Genomic context (GRCh38, chr2:215,019,784, plus strand): 5'-GGCATGACTTCTCTATCAAACTGAAAGTTTCAGATTCACAAAGAAGTTCGGTCAAGTTTC[G>A]AAGTTGAGACAGCTTTCCAAAAAGGGAAAAGAGTGGGAAATAGATTAGTTACATTTTTCT-3'